The following is an entry in ClinVar:

NM_001067.4(TOP2A):c.1170A>G (p.Ser390=)

Gene: TOP2A (DNA topoisomerase II alpha; minus strand). Cytogenetic location: 17q21.2.
Variant type: single nucleotide variant.
Coding change: c.1170A>G on transcript NM_001067.4 (MANE Select); coding-DNA position 1170, A replaced by G.
Protein change: p.Ser390=; no amino-acid change (serine 390 retained).
Molecular consequence: synonymous variant.
Genome position (GRCh38, 1-based): chr17:40,411,142, T>C on the plus strand (A>G on the coding strand, the complement: TOP2A is on the minus strand). VCF-style: chr17-40411142-T-C. GRCh37 (hg19) VCF-style: chr17-38567394-T-C.
Identifiers: ClinVar variation 774349 (VCV000774349.29), dbSNP rs34370875, ClinGen allele CA8543686.

ClinVar aggregate classification (germline): Benign/Likely benign. Review status: criteria provided, multiple submitters, no conflicts (2 of 4 stars). 3 submissions from 3 submitters: Benign (2); Likely benign (1). Last evaluated 2022-11-01.

Allele frequency attached by ClinVar (database versions not stated): 1000 Genomes Project 0.00120; 1000 Genomes Project 30x 0.00141; gnomAD 0.00360 and 0.00376; TOPMed 0.00374; gnomAD exomes 0.00380 and 0.00449; ExAC 0.00389; ESP Exome Variant Server 0.00451.
gnomAD v4.1: 7,089 of 1,611,640 alleles (0.44%); highest among the groups gnomAD compares: Non-Finnish European, 0.5%; 26 homozygotes.

Submissions (3):

CeGaT Center for Human Genetics Tuebingen
Classification: Likely benign. Last evaluated: 2022-11-01. Review status: criteria provided, single submitter. Criteria: CeGaT Center For Human Genetics Tuebingen Variant Classification Criteria Version 2. Collection method: clinical testing. Allele origin: germline. Affected: yes. Observed: 2 variant alleles.
Comment: TOP2A: BP4, BP7, BS2

Labcorp Genetics (formerly Invitae), Labcorp
Classification: Benign. Last evaluated: 2019-12-31. Review status: criteria provided, single submitter. Criteria: Invitae Variant Classification Sherloc (09022015). Collection method: clinical testing. Allele origin: germline.

Breakthrough Genomics
Classification: Benign. Review status: criteria provided, single submitter. Criteria: ACMG Guidelines, 2015. Collection method: not provided. Allele origin: germline. Inheritance: Unknown mechanism. Affected: yes.